The following is an entry in ClinVar:

ClinVar aggregate classification (germline): Uncertain significance (1 of 4 stars; one submission).

Conditions:
Deficiency of butyryl-CoA dehydrogenase (ACADSD). Also called: SCAD DEFICIENCY, MILD; ACYL-CoA DEHYDROGENASE, SHORT-CHAIN, DEFICIENCY OF; Short-Chain Acyl-CoA Dehydrogenase Deficiency; ACADS DEFICIENCY; SCAD Deficiency; SCADH DEFICIENCY. Identifiers: Orphanet 26792, MedGen C0342783, MONDO:0008722, OMIM 201470. Disease mechanism: May be benign.

Submission:

Neuberg Centre For Genomic Medicine, NCGM
Classification: Uncertain significance for Deficiency of butyryl-CoA dehydrogenase. Review status: criteria provided, single submitter. Criteria: ACMG Guidelines, 2015. Collection method: clinical testing. Allele origin: germline. Inheritance: Autosomal recessive inheritance. Affected: yes.
Comment: The missense variant c.691C>G (p.Leu231Val) in ACADS gene has not been reported previously as a pathogenic variant nor as a benign variant, to our knowledge. The p.Leu231Val variant is novel (not in any individuals) in gnomAD Exomes and 1000 Genomes. The amino acid Leu at position 231 is changed to a Val changing protein sequence and it might alter its composition and physico-chemical properties. The variant is predicted to be damaging by both SIFT and PolyPhen2. The amino acid change p.Leu231Val in ACADS is predicted as conserved by GERP++ and PhyloP across 100 vertebrates. For these reasons, this variant has been classified as Uncertain Significance (VUS).

NM_000017.4(ACADS):c.691C>G (p.Leu231Val)

Gene: ACADS (acyl-CoA dehydrogenase short chain; plus strand). Cytogenetic location: 12q24.31.
Variant type: single nucleotide variant.
Coding change: c.691C>G on transcript NM_000017.4 (MANE Select); coding-DNA position 691, C replaced by G.
Protein change: p.Leu231Val; replaces leucine 231 with valine.
Molecular consequence: missense variant.
Genome position (GRCh38, 1-based): chr12:120,738,346, C>G. VCF-style: chr12-120738346-C-G. GRCh37 (hg19) VCF-style: chr12-121176149-C-G.
Other names: c.679C>G, p.Leu227Val (NM_001302554.2); short protein forms L231V, L227V.
Identifiers: ClinVar variation 2585347 (VCV002585347.1), dbSNP rs2501196293, ClinGen allele CA386600887.